The following is an entry in ClinVar:

NM_012472.6(DNAAF11):c.853G>C (p.Val285Leu)

Gene: DNAAF11 (dynein axonemal assembly factor 11; minus strand). Cytogenetic location: 8q24.22.
Variant type: single nucleotide variant.
Coding change: c.853G>C on transcript NM_012472.6 (MANE Select); coding-DNA position 853, G replaced by C.
Protein change: p.Val285Leu; replaces valine 285 with leucine.
Molecular consequence: missense variant. On other transcripts: non-coding transcript variant (10).
Genome position (GRCh38, 1-based): chr8:132,622,672, C>G on the plus strand (G>C on the coding strand, the complement: DNAAF11 is on the minus strand). VCF-style: chr8-132622672-C-G. GRCh37 (hg19) VCF-style: chr8-133634918-C-G.
Other names: c.853G>C, p.Val285Leu (NM_001321961.2); c.607G>C, p.Val203Leu (NM_001321962.2); c.493G>C, p.Val165Leu (NM_001321963.2, NM_001321964.2, NM_001321965.2 and 1 more transcripts); c.853G>C (NM_012472.5); short protein forms V165L, V203L, V285L.
Identifiers: ClinVar variation 2619114 (VCV002619114.4), dbSNP rs901919367, ClinGen allele CA186273919.

ClinVar aggregate classification (germline): Uncertain significance. Review status: criteria provided, multiple submitters, no conflicts (2 of 4 stars). 2 submissions from 2 submitters: Uncertain significance (2). Last evaluated 2024-04-29.

Conditions:
Primary ciliary dyskinesia. Also called: Ciliary dyskinesia. Identifiers: Orphanet 244, MedGen C0008780, MONDO:0016575, HP:0012265.
DNAAF11-related disorder. Also called: DNAAF11-related condition.

gnomAD v4.1: 6 of 1,613,244 alleles (0.00037%); no homozygotes.

Submissions (2):

Ambry Genetics
Classification: Uncertain significance for Primary ciliary dyskinesia. Last evaluated: 2024-04-29. Review status: criteria provided, single submitter. Criteria: Ambry Variant Classification Scheme 2023. Collection method: clinical testing. Allele origin: germline.

PreventionGenetics, part of Exact Sciences
Classification: Uncertain significance for DNAAF11-related condition. Last evaluated: 2023-02-22. Review status: criteria provided, single submitter. Criteria: ACMG Guidelines, 2015. Collection method: clinical testing. Allele origin: germline.
Comment: The DNAAF11 c.853G>C variant is predicted to result in the amino acid substitution p.Val285Leu. To our knowledge, this variant has not been reported in the literature or in a large population database, indicating this variant is rare. At this time, the clinical significance of this variant is uncertain due to the absence of conclusive functional and genetic evidence.